The following is an entry in ClinVar:

NM_006218.4(PIK3CA):c.2475A>C (p.Gln825His)

Gene: PIK3CA (phosphatidylinositol-4,5-bisphosphate 3-kinase catalytic subunit alpha; plus strand). Cytogenetic location: 3q26.32.
Variant type: single nucleotide variant.
Coding change: c.2475A>C on transcript NM_006218.4 (MANE Select); coding-DNA position 2475, A replaced by C.
Protein change: p.Gln825His; replaces glutamine 825 with histidine.
Molecular consequence: missense variant.
Genome position (GRCh38, 1-based): chr3:179,226,020, A>C. VCF-style: chr3-179226020-A-C. GRCh37 (hg19) VCF-style: chr3-178943808-A-C.
Other names: short protein forms Q825H.
Identifiers: ClinVar variation 1791825 (VCV001791825.2), dbSNP rs1725073392, ClinGen allele CA355274574.

ClinVar aggregate classification (germline): Uncertain significance (1 of 4 stars; one submission).

Conditions:
Inborn genetic diseases. Identifiers: MedGen C0950123, MeSH D030342.

Submission:

Ambry Genetics
Classification: Uncertain significance for Inborn genetic diseases. Last evaluated: 2021-07-20. Review status: criteria provided, single submitter. Criteria: Ambry Variant Classification Scheme 2023. Collection method: clinical testing. Allele origin: germline.
Comment: The p.Q825H variant (also known as c.2475A>C), located in coding exon 16 of the PIK3CA gene, results from an A to C substitution at nucleotide position 2475. The glutamine at codon 825 is replaced by histidine, an amino acid with highly similar properties. This amino acid position is conserved. In addition, the in silico prediction for this alteration is inconclusive. Since supporting evidence is limited at this time, the clinical significance of this alteration remains unclear.